The following is an entry in ClinVar:

ClinVar aggregate classification (germline): Uncertain significance (1 of 4 stars; one submission).

Allele frequency attached by ClinVar (database versions not stated): ExAC 0.00001; gnomAD 0.00001; TOPMed 0.00002; gnomAD exomes 0.00001.
gnomAD v4.1: 7 of 1,607,028 alleles (0.00044%); highest among the groups gnomAD compares: Non-Finnish European, 0.0006%; no homozygotes.

Submission:

Labcorp Genetics (formerly Invitae), Labcorp
Classification: Uncertain significance. Last evaluated: 2025-09-16. Review status: criteria provided, single submitter. Criteria: Invitae Variant Classification Sherloc (09022015). Collection method: clinical testing. Allele origin: germline.
Comment: This sequence change replaces serine, which is neutral and polar, with phenylalanine, which is neutral and non-polar, at codon 63 of the OAS1 protein (p.Ser63Phe). This variant is present in population databases (rs752541022, gnomAD 0.0009%). This variant has not been reported in the literature in individuals affected with OAS1-related conditions. ClinVar contains an entry for this variant (Variation ID: 1440211). An algorithm developed to predict the effect of missense changes on protein structure and function (PolyPhen-2) suggests that this variant is likely to be disruptive. In summary, the available evidence is currently insufficient to determine the role of this variant in disease. Therefore, it has been classified as a Variant of Uncertain Significance.

NM_016816.4(OAS1):c.188C>T (p.Ser63Phe)

Gene: OAS1 (2'-5'-oligoadenylate synthetase 1; plus strand). Cytogenetic location: 12q24.13.
Variant type: single nucleotide variant.
Coding change: c.188C>T on transcript NM_016816.4 (MANE Select); coding-DNA position 188, C replaced by T.
Protein change: p.Ser63Phe; replaces serine 63 with phenylalanine.
Molecular consequence: missense variant.
Genome position (GRCh38, 1-based): chr12:112,908,543, C>T. VCF-style: chr12-112908543-C-T. GRCh37 (hg19) VCF-style: chr12-113346348-C-T.
Other names: c.188C>T, p.Ser63Phe (NM_001032409.3, NM_001320151.2, NM_002534.4); short protein forms S63F.
Identifiers: ClinVar variation 1440211 (VCV001440211.8), dbSNP rs752541022, ClinGen allele CA6799713.